The following is an entry in ClinVar:

ClinVar aggregate classification (germline): Likely benign (1 of 4 stars; one submission).

Allele frequency attached by ClinVar (database versions not stated): gnomAD exomes below 0.00001 and 0.00001; TOPMed 0.00001; gnomAD 0.00002.
gnomAD v4.1: 21 of 1,613,408 alleles (0.0013%); highest among the groups gnomAD compares: Admixed American, 0.0017%; no homozygotes.

Submission:

GeneDx
Classification: Likely benign. Last evaluated: 2016-11-23. Review status: criteria provided, single submitter. Criteria: GeneDx Variant Classification (06012015). Collection method: clinical testing. Allele origin: germline. Affected: yes.
Comment: This variant is considered likely benign or benign based on one or more of the following criteria: it is a conservative change, it occurs at a poorly conserved position in the protein, it is predicted to be benign by multiple in silico algorithms, and/or has population frequency not consistent with disease.

NM_022455.5(NSD1):c.198A>G (p.Pro66=)

Gene: NSD1 (nuclear receptor binding SET domain protein 1; plus strand). Cytogenetic location: 5q35.3.
Variant type: single nucleotide variant.
Coding change: c.198A>G on transcript NM_022455.5 (MANE Select); coding-DNA position 198, A replaced by G.
Protein change: p.Pro66=; no amino-acid change (proline 66 retained).
Molecular consequence: synonymous variant. On other transcripts: intron variant (7).
Genome position (GRCh38, 1-based): chr5:177,135,301, A>G. VCF-style: chr5-177135301-A-G. GRCh37 (hg19) VCF-style: chr5-176562302-A-G.
Other names: c.198A>G, p.Pro66= (NM_001409301.1, NM_001409302.1, NM_001409303.1 and 1 more transcripts); c.-37+101A>G (NM_001409305.1, NM_001409306.1, NM_001409308.1 and 4 more transcripts).
Identifiers: ClinVar variation 391167 (VCV000391167.1), dbSNP rs1057523994, ClinGen allele CA16605326.